The following is an entry in ClinVar:

NM_005215.4(DCC):c.1054T>C (p.Cys352Arg)

Gene: DCC (DCC netrin 1 receptor; plus strand). Cytogenetic location: 18q21.2.
Variant type: single nucleotide variant.
Coding change: c.1054T>C on transcript NM_005215.4 (MANE Select); coding-DNA position 1054, T replaced by C.
Protein change: p.Cys352Arg; replaces cysteine 352 with arginine.
Molecular consequence: missense variant.
Genome position (GRCh38, 1-based): chr18:53,063,373, T>C. VCF-style: chr18-53063373-T-C. GRCh37 (hg19) VCF-style: chr18-50589743-T-C.
Other names: short protein forms C352R.
Identifiers: ClinVar variation 1309019 (VCV001309019.2), dbSNP rs2144080757, ClinGen allele CA402516983.

ClinVar aggregate classification (germline): Uncertain significance (1 of 4 stars; one submission).

Submission:

GeneDx
Classification: Uncertain significance. Last evaluated: 2019-10-12. Review status: criteria provided, single submitter. Criteria: GeneDx Variant Classification Process June 2021. Collection method: clinical testing. Allele origin: germline. Affected: yes.
Comment: Not observed in large population cohorts (Lek et al., 2016); In silico analysis, which includes protein predictors and evolutionary conservation, supports a deleterious effect; Has not been previously published as pathogenic or benign to our knowledge